The following is an entry in ClinVar:

NM_001164507.2(NEB):c.21348T>A (p.Asp7116Glu)

Genes: NEB (nebulin; minus strand), RIF1 (replication timing regulatory factor 1; plus strand). Cytogenetic location: 2q23.3.
Variant type: single nucleotide variant.
Coding change: c.21348T>A on transcript NM_001164507.2 (MANE Plus Clinical); coding-DNA position 21348, T replaced by A.
Protein change: p.Asp7116Glu; replaces aspartic acid 7116 with glutamic acid.
Molecular consequence: missense variant. On other transcripts: intron variant (1).
Genome position (GRCh38, 1-based): chr2:151,534,284, A>T on the plus strand (T>A on the coding strand, the complement: NEB is on the minus strand). VCF-style: chr2-151534284-A-T. GRCh37 (hg19) VCF-style: chr2-152390798-A-T.
Other names: c.21348T>A, p.Asp7116Glu (NM_001271208.2); c.16245T>A, p.Asp5415Glu (NM_004543.5); c.21313-738T>A (NM_001164508.2); c.16245T>A (NM_004543.4); short protein forms D7116E, D5415E.
Identifiers: ClinVar variation 575060 (VCV000575060.17), dbSNP rs199934793, ClinGen allele CA1907004.

ClinVar aggregate classification (germline): Conflicting classifications of pathogenicity. Review status: criteria provided, conflicting classifications (1 of 4 stars). 5 submissions from 5 submitters: Uncertain significance (3); Benign (1). 1 of the submissions does not count toward it. Last evaluated 2025-08-18.

Conditions:
Inborn genetic diseases. Identifiers: MedGen C0950123, MeSH D030342.
Nemaline myopathy 2 (NEM2). Also called: Nemaline myopathy 2, autosomal recessive. Identifiers: MedGen C1850569, MONDO:0009725, OMIM 256030.

Allele frequency attached by ClinVar (database versions not stated): gnomAD exomes below 0.00001 and 0.00002; ExAC 0.00004; TOPMed 0.00004; 1000 Genomes Project 0.00060; 1000 Genomes Project 30x 0.00078.
gnomAD v4.1: 29 of 1,613,650 alleles (0.0018%); highest among the groups gnomAD compares: African/African-American, 0.025%; no homozygotes.

Submissions (5):

Labcorp Genetics (formerly Invitae), Labcorp
Classification: Benign for Nemaline myopathy 2. Last evaluated: 2025-08-18. Review status: criteria provided, single submitter. Criteria: Invitae Variant Classification Sherloc (09022015). Collection method: clinical testing. Allele origin: germline.

GeneDx
Classification: Uncertain significance. Last evaluated: 2024-09-24. Review status: criteria provided, single submitter. Criteria: GeneDx Variant Classification Process June 2021. Collection method: clinical testing. Allele origin: germline. Affected: yes.
Comment: In silico analysis indicates that this missense variant does not alter protein structure/function; Has not been previously published as pathogenic or benign to our knowledge

Ambry Genetics
Classification: Uncertain significance for Inborn genetic diseases. Last evaluated: 2023-12-19. Review status: criteria provided, single submitter. Criteria: Ambry Variant Classification Scheme 2023. Collection method: clinical testing. Allele origin: germline.

Revvity Omics, Revvity
Classification: Uncertain significance. Last evaluated: 2023-01-03. Review status: criteria provided, single submitter. Criteria: ACMG Guidelines, 2015. Collection method: clinical testing. Allele origin: germline.

Natera, Inc.
Classification: Uncertain significance for Nemaline myopathy type 2. Last evaluated: 2019-11-11. Review status: no assertion criteria provided. Collection method: clinical testing. Allele origin: germline. Not counted in ClinVar's aggregate classification.